The following is an entry in ClinVar:

NM_001378778.1(MPDZ):c.1355G>C (p.Gly452Ala)

Gene: MPDZ (multiple PDZ domain crumbs cell polarity complex component; minus strand). Cytogenetic location: 9p23.
Variant type: single nucleotide variant.
Coding change: c.1355G>C on transcript NM_001378778.1 (MANE Select); coding-DNA position 1355, G replaced by C.
Protein change: p.Gly452Ala; replaces glycine 452 with alanine.
Molecular consequence: missense variant.
Genome position (GRCh38, 1-based): chr9:13,206,035, C>G on the plus strand (G>C on the coding strand, the complement: MPDZ is on the minus strand). VCF-style: chr9-13206035-C-G. GRCh37 (hg19) VCF-style: chr9-13206034-C-G.
Other names: c.1355G>C, p.Gly452Ala (NM_001375417.1, NM_001375418.1, NM_001375419.1 and 14 more transcripts); short protein forms G452A.
Identifiers: ClinVar variation 2019110 (VCV002019110.4), dbSNP rs2495876329, ClinGen allele CA372943304.
Genomic context (GRCh38, chr9:13,206,035, plus strand): 5'-GACATGAGCTCGGCTTCCTGCTTCATTCCTCTCCTCATTAGTGTCAGGAGCACAGTTTGT[C>G]CTGTATGTCGCAATACCTCTACTGCTTGCTGATTAGTAAAACCCTGAAGGTTTGTGCCAT-3'
Protein context (NP_001365707.1, residues 442-462): QQAVEVLRHT[Gly452Ala]QTVLLTLMRR

ClinVar aggregate classification (germline): Uncertain significance (1 of 4 stars; one submission).

Submission:

Labcorp Genetics (formerly Invitae), Labcorp
Classification: Uncertain significance. Last evaluated: 2025-07-31. Review status: criteria provided, single submitter. Criteria: Invitae Variant Classification Sherloc (09022015). Collection method: clinical testing. Allele origin: germline.
Comment: This sequence change replaces glycine, which is neutral and non-polar, with alanine, which is neutral and non-polar, at codon 452 of the MPDZ protein (p.Gly452Ala). This variant is not present in population databases (gnomAD no frequency). This variant has not been reported in the literature in individuals affected with MPDZ-related conditions. ClinVar contains an entry for this variant (Variation ID: 2019110). An algorithm developed to predict the effect of missense changes on protein structure and function (PolyPhen-2) suggests that this variant is likely to be disruptive. In summary, the available evidence is currently insufficient to determine the role of this variant in disease. Therefore, it has been classified as a Variant of Uncertain Significance.